The following is an entry in ClinVar:

NM_022124.6(CDH23):c.3220+1G>A

Gene: CDH23 (cadherin related 23; plus strand). Cytogenetic location: 10q22.1.
Variant type: single nucleotide variant.
Coding change: c.3220+1G>A on transcript NM_022124.6 (MANE Select); the canonical splice donor site of the intron after coding-DNA position 3220, G replaced by A.
Molecular consequence: splice donor variant.
Genome position (GRCh38, 1-based): chr10:71,709,212, G>A. VCF-style: chr10-71709212-G-A. GRCh37 (hg19) VCF-style: chr10-73468969-G-A.
Other names: c.3220+1G>A (NM_001171930.2).
Identifiers: ClinVar variation 1697267 (VCV001697267.5), dbSNP rs1487026359, ClinGen allele CA377143462.

ClinVar aggregate classification (germline): Conflicting classifications of pathogenicity. Review status: criteria provided, conflicting classifications (1 of 4 stars). 3 submissions from 3 submitters: Pathogenic (1); Likely pathogenic (1); Uncertain significance (1). Last evaluated 2025-05-27.

Conditions:
Usher syndrome type 1 (USH1). Also called: RETINITIS PIGMENTOSA AND CONGENITAL DEAFNESS. Identifiers: Orphanet 231169, Orphanet 886, MedGen C1568247, MONDO:0010168, OMIM 276900.
Usher syndrome type 1D (USH1D). Also called: USHER SYNDROME, TYPE ID. Identifiers: Orphanet 231169, Orphanet 886, MedGen C1832845, MONDO:0010984, OMIM 601067.

Submissions (3):

Labcorp Genetics (formerly Invitae), Labcorp
Classification: Pathogenic. Last evaluated: 2025-05-27. Review status: criteria provided, single submitter. Criteria: Invitae Variant Classification Sherloc (09022015). Collection method: clinical testing. Allele origin: germline.
Comment: This sequence change affects a donor splice site in intron 27 of the CDH23 gene. It is expected to disrupt RNA splicing. Variants that disrupt the donor or acceptor splice site typically lead to a loss of protein function (PMID: 16199547), and loss-of-function variants in CDH23 are known to be pathogenic (PMID: 11138009, 21940737). This variant is not present in population databases (gnomAD no frequency). Disruption of this splice site has been observed in individual(s) with clinical features of Usher syndrome (internal data). ClinVar contains an entry for this variant (Variation ID: 1697267). Algorithms developed to predict the effect of sequence changes on RNA splicing suggest that this variant may disrupt the consensus splice site. For these reasons, this variant has been classified as Pathogenic.

GeneDx
Classification: Uncertain significance. Last evaluated: 2023-11-01. Review status: criteria provided, single submitter. Criteria: GeneDx Variant Classification Process June 2021. Collection method: clinical testing. Allele origin: germline. Affected: yes.
Comment: Canonical splice site variant expected to result in aberrant splicing, although in the absence of functional evidence the actual effect of this sequence change is unknown.; Has not been previously published as pathogenic or benign to our knowledge

Institute of Medical Genetics and Applied Genomics, University Hospital Tübingen
Classification: Likely pathogenic for Usher syndrome type 1D; Usher syndrome type 1. Last evaluated: 2022-07-22. Review status: criteria provided, single submitter. Criteria: ACMG Guidelines, 2015. Collection method: clinical testing. Allele origin: germline. Inheritance: Autosomal recessive inheritance. Affected: yes.

Literature cited by the submitters: PubMed 16199547 (cited by Labcorp Genetics (formerly Invitae), Labcorp); PubMed 11138009 (cited by Labcorp Genetics (formerly Invitae), Labcorp); PubMed 21940737 (cited by Labcorp Genetics (formerly Invitae), Labcorp).